The following is an entry in ClinVar:

NM_005591.4(MRE11):c.1927G>A (p.Val643Met)

Gene: MRE11 (MRE11 double strand break repair nuclease; minus strand). Cytogenetic location: 11q21.
Variant type: single nucleotide variant.
Coding change: c.1927G>A on transcript NM_005591.4 (MANE Select); coding-DNA position 1927, G replaced by A.
Protein change: p.Val643Met; replaces valine 643 with methionine.
Molecular consequence: missense variant.
Genome position (GRCh38, 1-based): chr11:94,435,899, C>T on the plus strand (G>A on the coding strand, the complement: MRE11 is on the minus strand). VCF-style: chr11-94435899-C-T. GRCh37 (hg19) VCF-style: chr11-94169065-C-T.
Other names: c.1924G>A, p.Val642Met (NM_001330347.2); c.1843G>A, p.Val615Met (NM_005590.4); short protein forms V615M, V642M, V643M.
Identifiers: ClinVar variation 1800289 (VCV001800289.3), dbSNP rs876658165, ClinGen allele CA382374165.
Genomic context (GRCh38, chr11:94,435,899, plus strand): 5'-CTGTCTTTGAAGTGGTAGGAAAAATGTCTTCTTCCACATCTGATTCATCTACCTCAATCA[C>T]CTGGCAAGGAAACAAAGCAACAAACAGTTTTTGTGAGAATAGACTCTGAATAAAAATGAA-3'
Protein context (NP_005582.1, residues 633-653): RNVTTKNYSE[Val643Met]IEVDESDVEE

ClinVar aggregate classification (germline): Uncertain significance (1 of 4 stars; one submission).

Conditions:
Hereditary cancer-predisposing syndrome. Also called: Neoplastic Syndromes, Hereditary; Tumor predisposition; Hereditary Cancer Syndrome; Hereditary neoplastic syndrome. Identifiers: Orphanet 140162, MedGen C0027672, MeSH D009386, MONDO:0015356.

Submission:

Ambry Genetics
Classification: Uncertain significance for Hereditary cancer-predisposing syndrome. Last evaluated: 2025-12-14. Review status: criteria provided, single submitter. Criteria: Ambry Variant Classification Scheme 2023. Collection method: clinical testing. Allele origin: germline.
Comment: The p.V643M variant (also known as c.1927G>A) is located in coding exon 17 of the MRE11A gene. The valine at codon 643 is replaced by methionine, an amino acid with highly similar properties. This change occurs in the first base pair of coding exon 17. This amino acid position is not well conserved in available vertebrate species. In addition, this alteration is predicted to be tolerated by in silico analysis. Since supporting evidence is limited at this time, the clinical significance of this alteration remains unclear.